The following is an entry in ClinVar:

ClinVar aggregate classification (germline): Uncertain significance (0 of 4 stars; one submission).

Conditions:
CLASP1-related disorder. Also called: CLASP1-related condition.

Allele frequency attached by ClinVar (database versions not stated): gnomAD exomes below 0.00001.
gnomAD v4.1: 6 of 1,601,964 alleles (0.00037%); highest among the groups gnomAD compares: Non-Finnish European, 0.00051%; no homozygotes.

Submission:

PreventionGenetics, part of Exact Sciences
Classification: Uncertain significance for CLASP1-related condition. Last evaluated: 2024-02-05. Review status: no assertion criteria provided. Collection method: clinical testing. Allele origin: germline.
Comment: The CLASP1 c.3590A>T variant is predicted to result in the amino acid substitution p.Gln1197Leu. To our knowledge, this variant has not been reported in the literature or in a large population database, indicating this variant is rare. At this time, the clinical significance of this variant is uncertain due to the absence of conclusive functional and genetic evidence.

NM_001395891.1(CLASP1):c.3653A>T (p.Gln1218Leu)

Gene: CLASP1 (cytoplasmic linker associated protein 1; minus strand). Cytogenetic location: 2q14.2.
Variant type: single nucleotide variant.
Coding change: c.3653A>T on transcript NM_001395891.1 (MANE Select); coding-DNA position 3653, A replaced by T.
Protein change: p.Gln1218Leu; replaces glutamine 1218 with leucine.
Molecular consequence: missense variant.
Genome position (GRCh38, 1-based): chr2:121,377,551, T>A on the plus strand (A>T on the coding strand, the complement: CLASP1 is on the minus strand). VCF-style: chr2-121377551-T-A. GRCh37 (hg19) VCF-style: chr2-122135127-T-A.
Other names: c.3413A>T, p.Gln1138Leu (NM_001142273.2); c.3389A>T, p.Gln1130Leu (NM_001142274.2); c.3407A>T, p.Gln1136Leu (NM_001207051.2, NM_001378005.1); c.3494A>T, p.Gln1165Leu (NM_001378003.1); c.3386A>T, p.Gln1129Leu (NM_001378004.1); c.3590A>T, p.Gln1197Leu (NM_015282.3); short protein forms Q1129L, Q1130L, Q1136L, Q1138L, Q1165L, Q1197L, Q1218L.
Identifiers: ClinVar variation 3037069 (VCV003037069.2), dbSNP rs2467663301, ClinGen allele CA348167245.